The following is an entry in ClinVar:

ClinVar aggregate classification (germline): Uncertain significance (1 of 4 stars; one submission).

Submission:

CeGaT Center for Human Genetics Tuebingen
Classification: Uncertain significance. Last evaluated: 2022-05-01. Review status: criteria provided, single submitter. Criteria: CeGaT Center For Human Genetics Tuebingen Variant Classification Criteria Version 2. Collection method: clinical testing. Allele origin: germline. Affected: yes. Observed: 1 variant allele.
Comment: CCDC7: PM2, PP3

NM_001395015.1(CCDC7):c.3604+1G>C

Gene: CCDC7 (coiled-coil domain containing 7; plus strand). Cytogenetic location: 10p11.22.
Variant type: single nucleotide variant.
Coding change: c.3604+1G>C on transcript NM_001395015.1 (MANE Select); the canonical splice donor site of the intron after coding-DNA position 3604, G replaced by C.
Molecular consequence: splice donor variant.
Genome position (GRCh38, 1-based): chr10:32,845,960, G>C. VCF-style: chr10-32845960-G-C. GRCh37 (hg19) VCF-style: chr10-33134888-G-C.
Other names: c.3604+1G>C (NM_001321115.2).
Identifiers: ClinVar variation 2640399 (VCV002640399.24), dbSNP rs1269487426, ClinGen allele CA376508721.